The following is an entry in ClinVar:

NM_013382.7(POMT2):c.1274G>C (p.Ser425Thr)

Gene: POMT2 (protein O-mannosyltransferase 2; minus strand). Cytogenetic location: 14q24.3.
Variant type: single nucleotide variant.
Coding change: c.1274G>C on transcript NM_013382.7 (MANE Select); coding-DNA position 1274, G replaced by C.
Protein change: p.Ser425Thr; replaces serine 425 with threonine.
Molecular consequence: missense variant.
Genome position (GRCh38, 1-based): chr14:77,286,802, C>G on the plus strand (G>C on the coding strand, the complement: POMT2 is on the minus strand). VCF-style: chr14-77286802-C-G. GRCh37 (hg19) VCF-style: chr14-77753145-C-G.
Other names: short protein forms S425T.
Identifiers: ClinVar variation 663918 (VCV000663918.16), dbSNP rs774466835, ClinGen allele CA7285904.
Genomic context (GRCh38, chr14:77,286,802, plus strand): 5'-ACTATGCCATAGCCGGTGACCTGATAGTGCTTCCGGGTCATGGGGGCCTCATGATAGTGA[C>G]TGTGCAAGTTCCGGGAAGTTCTAGAAGTTAGAAAAGAGAAGTGTCATTATCCTATAGAAA-3'
Protein context (NP_037514.2, residues 415-435): EHKETSRNLH[Ser425Thr]HYHEAPMTRK

ClinVar aggregate classification (germline): Uncertain significance. Review status: criteria provided, multiple submitters, no conflicts (2 of 4 stars). 6 submissions from 6 submitters: Uncertain significance (6). Last evaluated 2025-06-18.

Conditions:
Muscular dystrophy-dystroglycanopathy (congenital with brain and eye anomalies), type A2. Also called: WALKER-WARBURG SYNDROME OR MUSCLE-EYE-BRAIN DISEASE, POMT2-RELATED; MUSCULAR DYSTROPHY-DYSTROGLYCANOPATHY (CONGENITAL WITH BRAIN AND EYE ANOMALIES), TYPE A, 2. Identifiers: Orphanet 588, Orphanet 899, MedGen C3150411, MONDO:0013154, OMIM 613150.
Muscular dystrophy-dystroglycanopathy (congenital with impaired intellectual development), type B, 2. Also called: Muscular dystrophy-dystroglycanopathy (congenital with intellectual disability), type B2; MUSCULAR DYSTROPHY, CONGENITAL, POMT2-RELATED. Identifiers: MedGen C3150416, MONDO:0013160, OMIM 613156.
Autosomal recessive limb-girdle muscular dystrophy type 2N. Also called: MUSCULAR DYSTROPHY-DYSTROGLYCANOPATHY, LIMB-GIRDLE, POMT2-RELATED; Muscular dystrophy-dystroglycanopathy (limb-girdle), type C, 2. Identifiers: Orphanet 206559, MedGen C3150418, MONDO:0013162, OMIM 613158.
Inborn genetic diseases. Identifiers: MedGen C0950123, MeSH D030342.
Muscular dystrophy-dystroglycanopathy (congenital with brain and eye anomalies), type A1 (MDDGA1). Also called: COD-MD SYNDROME; Muscular dystrophy-dystroglycanopathy (congenital with brain and eye anomalies), type A, 1; WALKER-WARBURG SYNDROME OR MUSCLE-EYE-BRAIN DISEASE, POMT1-RELATED; Hydrocephalus, agyria and retinal dysplasia; Hard +/- E syndrome; Warburg syndrome. Identifiers: Orphanet 588, Orphanet 899, MedGen C4284790, MONDO:0009364, OMIM 236670.

Allele frequency attached by ClinVar (database versions not stated): gnomAD 0.00001; gnomAD exomes 0.00001 and 0.00008; TOPMed 0.00002; ExAC 0.00004.
gnomAD v4.1: 21 of 1,614,040 alleles (0.0013%); highest among the groups gnomAD compares: Admixed American, 0.033%; no homozygotes.

Submissions (6):

Ambry Genetics
Classification: Uncertain significance for Inborn genetic diseases. Last evaluated: 2025-06-18. Review status: criteria provided, single submitter. Criteria: Ambry Variant Classification Scheme 2023. Collection method: clinical testing. Allele origin: germline.

Labcorp Genetics (formerly Invitae), Labcorp
Classification: Uncertain significance for Muscular dystrophy-dystroglycanopathy (congenital with impaired intellectual development), type B, 2; Muscular dystrophy-dystroglycanopathy (congenital with brain and eye anomalies), type A2; Autosomal recessive limb-girdle muscular dystrophy type 2N. Last evaluated: 2024-08-05. Review status: criteria provided, single submitter. Criteria: Invitae Variant Classification Sherloc (09022015). Collection method: clinical testing. Allele origin: germline.
Comment: This sequence change replaces serine, which is neutral and polar, with threonine, which is neutral and polar, at codon 425 of the POMT2 protein (p.Ser425Thr). This variant is present in population databases (rs774466835, gnomAD 0.05%). This variant has not been reported in the literature in individuals affected with POMT2-related conditions. ClinVar contains an entry for this variant (Variation ID: 663918). Advanced modeling of protein sequence and biophysical properties (such as structural, functional, and spatial information, amino acid conservation, physicochemical variation, residue mobility, and thermodynamic stability) performed at Invitae indicates that this missense variant is not expected to disrupt POMT2 protein function with a negative predictive value of 80%. In summary, the available evidence is currently insufficient to determine the role of this variant in disease. Therefore, it has been classified as a Variant of Uncertain Significance.

Revvity Omics, Revvity
Classification: Uncertain significance. Last evaluated: 2023-11-30. Review status: criteria provided, single submitter. Criteria: ACMG Guidelines, 2015. Collection method: clinical testing. Allele origin: germline.

GeneDx
Classification: Uncertain significance. Last evaluated: 2022-12-04. Review status: criteria provided, single submitter. Criteria: GeneDx Variant Classification Process June 2021. Collection method: clinical testing. Allele origin: germline. Affected: yes.
Comment: In silico analysis supports that this missense variant does not alter protein structure/function; Has not been previously published as pathogenic or benign to our knowledge

Fulgent Genetics
Classification: Uncertain significance for Muscular dystrophy-dystroglycanopathy (congenital with brain and eye anomalies), type A1; Muscular dystrophy-dystroglycanopathy (congenital with brain and eye anomalies), type A2; Muscular dystrophy-dystroglycanopathy (congenital with impaired intellectual development), type B, 2; Autosomal recessive limb-girdle muscular dystrophy type 2N. Last evaluated: 2022-02-16. Review status: criteria provided, single submitter. Criteria: ACMG Guidelines, 2015. Collection method: clinical testing. Allele origin: unknown.

Illumina Laboratory Services, Illumina
Classification: Uncertain significance for Autosomal recessive limb-girdle muscular dystrophy type 2N. Last evaluated: 2017-04-28. Review status: criteria provided, single submitter. Criteria: ICSL Variant Classification Criteria 13 December 2019. Collection method: clinical testing. Allele origin: germline.